The following is an entry in ClinVar:

ClinVar aggregate classification (germline): Uncertain significance (1 of 4 stars; one submission).

Conditions:
LAMA2-related muscular dystrophy (LAMA2-RD). Also called: Laminin alpha 2-related dystrophy. Identifiers: MedGen C5679788, MONDO:0100228.

Allele frequency attached by ClinVar (database versions not stated): gnomAD exomes below 0.00001.
gnomAD v4.1: 5 of 1,614,040 alleles (0.00031%); highest among the groups gnomAD compares: Admixed American, 0.0017%; no homozygotes.

Submission:

Labcorp Genetics (formerly Invitae), Labcorp
Classification: Uncertain significance for LAMA2-related muscular dystrophy. Last evaluated: 2022-11-01. Review status: criteria provided, single submitter. Criteria: Invitae Variant Classification Sherloc (09022015). Collection method: clinical testing. Allele origin: germline.
Comment: This variant is present in population databases (no rsID available, gnomAD 0.003%). This sequence change replaces arginine, which is basic and polar, with glycine, which is neutral and non-polar, at codon 2612 of the LAMA2 protein (p.Arg2612Gly). This variant has not been reported in the literature in individuals affected with LAMA2-related conditions. ClinVar contains an entry for this variant (Variation ID: 650804). Advanced modeling of protein sequence and biophysical properties (such as structural, functional, and spatial information, amino acid conservation, physicochemical variation, residue mobility, and thermodynamic stability) performed at Invitae indicates that this missense variant is not expected to disrupt LAMA2 protein function. In summary, the available evidence is currently insufficient to determine the role of this variant in disease. Therefore, it has been classified as a Variant of Uncertain Significance.

NM_000426.4(LAMA2):c.7834A>G (p.Arg2612Gly)

Gene: LAMA2 (laminin subunit alpha 2; plus strand). Cytogenetic location: 6q22.33.
Variant type: single nucleotide variant.
Coding change: c.7834A>G on transcript NM_000426.4 (MANE Select); coding-DNA position 7834, A replaced by G.
Protein change: p.Arg2612Gly; replaces arginine 2612 with glycine.
Molecular consequence: missense variant.
Genome position (GRCh38, 1-based): chr6:129,486,558, A>G. VCF-style: chr6-129486558-A-G. GRCh37 (hg19) VCF-style: chr6-129807703-A-G.
Other names: c.7822A>G, p.Arg2608Gly (NM_001079823.2); short protein forms R2608G, R2612G.
Identifiers: ClinVar variation 650804 (VCV000650804.10), dbSNP rs1190231274, ClinGen allele CA365629263.